The following is an entry in ClinVar:

ClinVar aggregate classification (germline): Uncertain significance. Review status: criteria provided, multiple submitters, no conflicts (2 of 4 stars). 4 submissions from 4 submitters: Uncertain significance (4). Last evaluated 2026-06-26.

Conditions:
PLEC-related disorder. Also called: PLEC-related condition; PLEC-related disorders.
Autosomal recessive limb-girdle muscular dystrophy type 2Q (LGMDR17). Also called: MUSCULAR DYSTROPHY, LIMB-GIRDLE, AUTOSOMAL RECESSIVE 17. Identifiers: Orphanet 254361, MedGen C3150989, MONDO:0013390, OMIM 613723.
Epidermolysis bullosa simplex with nail dystrophy (EBS5D). Identifiers: MedGen C4225309, MONDO:0014661, OMIM 616487.
Epidermolysis bullosa simplex 5C, with pyloric atresia (EBS5C). Also called: PLEC-Related Epidermolysis Bullosa with Pyloric Atresia; PLEC1-Related Epidermolysis Bullosa with Pyloric Atresia; Epidermolysis bullosa simplex with pyloric atresia. Identifiers: Orphanet 158684, MedGen C2677349, MONDO:0012807, OMIM 612138.
Epidermolysis bullosa simplex, Ogna type (EBS5A). Also called: Pidermolysis bullosa simplex 5A, Ogna type; EPIDERMOLYSIS BULLOSA SIMPLEX 5A, OGNA TYPE. Identifiers: Orphanet 79401, MedGen C0432317, MONDO:0007555, OMIM 131950.
Epidermolysis bullosa simplex 5B, with muscular dystrophy (EBS5B). Also called: Epidermolysis bullosa simplex with muscular dystrophy; EPIDERMOLYSIS BULLOSA SIMPLEX AND LIMB-GIRDLE MUSCULAR DYSTROPHY. Identifiers: Orphanet 257, MedGen C2931072, MONDO:0009181, OMIM 226670.

Allele frequency attached by ClinVar (database versions not stated): gnomAD 0.00002 and 0.00003; TOPMed 0.00003; ESP Exome Variant Server 0.00010.

Submissions (4):

PreventionGenetics, part of Exact Sciences
Classification: Uncertain significance for PLEC-related condition. Last evaluated: 2026-06-26. Review status: criteria provided, single submitter. Criteria: ACMG Guidelines, 2015. Collection method: clinical testing. Allele origin: germline.
Comment: The PLEC c.4763G>A variant is predicted to result in the amino acid substitution p.Arg1588Gln. To our knowledge, this variant has not been reported in the literature. This variant is reported in 0.018% of alleles in individuals of East Asian descent in gnomAD. At this time, the clinical significance of this variant is uncertain due to the absence of conclusive functional and genetic evidence.

CeGaT Center for Human Genetics Tuebingen
Classification: Uncertain significance. Last evaluated: 2025-09-01. Review status: criteria provided, single submitter. Criteria: CeGaT Center For Human Genetics Tuebingen Variant Classification Criteria Version 2. Collection method: clinical testing. Allele origin: germline. Affected: yes. Observed: 1 variant allele.
Comment: PLEC: PM2

Labcorp Genetics (formerly Invitae), Labcorp
Classification: Uncertain significance for Autosomal recessive limb-girdle muscular dystrophy type 2Q; Epidermolysis bullosa simplex, Ogna type; Epidermolysis bullosa simplex with nail dystrophy; Epidermolysis bullosa simplex 5C, with pyloric atresia; Epidermolysis bullosa simplex 5B, with muscular dystrophy. Last evaluated: 2024-05-14. Review status: criteria provided, single submitter. Criteria: Invitae Variant Classification Sherloc (09022015). Collection method: clinical testing. Allele origin: germline.
Comment: This sequence change replaces arginine, which is basic and polar, with glutamine, which is neutral and polar, at codon 1588 of the PLEC protein (p.Arg1588Gln). This variant is present in population databases (rs376840697, gnomAD 0.02%). This variant has not been reported in the literature in individuals affected with PLEC-related conditions. ClinVar contains an entry for this variant (Variation ID: 289464). Advanced modeling of protein sequence and biophysical properties (such as structural, functional, and spatial information, amino acid conservation, physicochemical variation, residue mobility, and thermodynamic stability) performed at Invitae indicates that this missense variant is not expected to disrupt PLEC protein function with a negative predictive value of 80%. In summary, the available evidence is currently insufficient to determine the role of this variant in disease. Therefore, it has been classified as a Variant of Uncertain Significance.

Eurofins Ntd Llc (ga)
Classification: Uncertain significance. Last evaluated: 2016-08-09. Review status: criteria provided, single submitter. Criteria: EGL Classification Definitions 2015. Collection method: clinical testing. Allele origin: germline. Observed: 1 variant allele, 1 heterozygote.

NM_201384.3(PLEC):c.4682G>A (p.Arg1561Gln)

Gene: PLEC (plectin; minus strand). Cytogenetic location: 8q24.3.
Variant type: single nucleotide variant.
Coding change: c.4682G>A on transcript NM_201384.3 (MANE Select); coding-DNA position 4682, G replaced by A.
Protein change: p.Arg1561Gln; replaces arginine 1561 with glutamine.
Molecular consequence: missense variant.
Genome position (GRCh38, 1-based): chr8:143,925,247, C>T on the plus strand (G>A on the coding strand, the complement: PLEC is on the minus strand). VCF-style: chr8-143925247-C-T. GRCh37 (hg19) VCF-style: chr8-144999415-C-T.
Other names: c.4763G>A, p.Arg1588Gln (NM_000445.5); c.4640G>A, p.Arg1547Gln (NM_201378.4); c.4616G>A, p.Arg1539Gln (NM_201379.3); c.5093G>A, p.Arg1698Gln (NM_201380.4); c.4586G>A, p.Arg1529Gln (NM_201381.3); c.4682G>A, p.Arg1561Gln (NM_201382.4); c.4694G>A, p.Arg1565Gln (NM_201383.3); short protein forms R1547Q, R1588Q, R1561Q, R1565Q, R1698Q, R1529Q, R1539Q.
Identifiers: ClinVar variation 289464 (VCV000289464.22), dbSNP rs376840697, ClinGen allele CA4926572.